The following is an entry in ClinVar:

NM_031431.4(COG3):c.109G>C (p.Asp37His)

Gene: COG3 (component of oligomeric golgi complex 3; plus strand). Cytogenetic location: 13q14.13.
Variant type: single nucleotide variant.
Coding change: c.109G>C on transcript NM_031431.4 (MANE Select); coding-DNA position 109, G replaced by C.
Protein change: p.Asp37His; replaces aspartic acid 37 with histidine.
Molecular consequence: missense variant.
Genome position (GRCh38, 1-based): chr13:45,465,145, G>C. VCF-style: chr13-45465145-G-C. GRCh37 (hg19) VCF-style: chr13-46039280-G-C.
Other names: short protein forms D37H.
Identifiers: ClinVar variation 2584760 (VCV002584760.1), dbSNP rs755933277, ClinGen allele CA6972108.

ClinVar aggregate classification (germline): no classifications from unflagged records (0 of 4 stars; one submission).

Conditions:
Congenital disorder of glycosylation, type IIbb (CDG2BB). Also called: CDG IIbb. Identifiers: MedGen C5882705, MONDO:0957820, OMIM 620546.

Allele frequency attached by ClinVar (database versions not stated): 1000 Genomes Project 30x 0.00031; ExAC 0.00007.
gnomAD v4.1: 48 of 1,613,482 alleles (0.003%); highest among the groups gnomAD compares: South Asian, 0.049%; no homozygotes.

Submission:

OMIM
Classification: Pathogenic for CONGENITAL DISORDER OF GLYCOSYLATION, TYPE IIbb. Last evaluated: 2023-10-19. Review status: flagged submission. Collection method: literature only. Allele origin: germline.
ClinVar note: Notes: Flagging candidate with reason of insufficient supporting evidence. This gene has been classified as having a limited gene-disease relationship by a ClinGen Expert Panel.
ClinVar note: Reason: P/LP classification for a variant in a gene with insufficient evidence for a gene-disease relationship

Literature cited by the submitters: PubMed 37711075.